The following is an entry in ClinVar:

NM_001376.5(DYNC1H1):c.10564C>T (p.Gln3522Ter)

Gene: DYNC1H1 (dynein cytoplasmic 1 heavy chain 1; plus strand). Cytogenetic location: 14q32.31.
Variant type: single nucleotide variant.
Coding change: c.10564C>T on transcript NM_001376.5 (MANE Select); coding-DNA position 10564, C replaced by T.
Protein change: p.Gln3522Ter; replaces glutamine 3522 with a stop codon.
Molecular consequence: nonsense.
Genome position (GRCh38, 1-based): chr14:102,034,126, C>T. VCF-style: chr14-102034126-C-T. GRCh37 (hg19) VCF-style: chr14-102500463-C-T.
Other names: short protein forms Q3522*.
Identifiers: ClinVar variation 1353487 (VCV001353487.6), dbSNP rs2152592188, ClinGen allele CA391027309.

ClinVar aggregate classification (germline): Uncertain significance (1 of 4 stars; one submission).

Conditions:
Charcot-Marie-Tooth disease axonal type 2O. Also called: Charcot-Marie-Tooth disease, axonal, type 20; CHARCOT-MARIE-TOOTH NEUROPATHY, AXONAL, TYPE 2O; CHARCOT-MARIE-TOOTH DISEASE, AXONAL, AUTOSOMAL DOMINANT, TYPE 2O; Charcot-Marie-Tooth Neuropathy Type 2O. Identifiers: Orphanet 284232, MedGen C3280220, MONDO:0013644, OMIM 614228.

Submission:

Labcorp Genetics (formerly Invitae), Labcorp
Classification: Uncertain significance for Charcot-Marie-Tooth disease axonal type 2O. Last evaluated: 2021-03-25. Review status: criteria provided, single submitter. Criteria: Invitae Variant Classification Sherloc (09022015). Collection method: clinical testing. Allele origin: germline.
Comment: This sequence change creates a premature translational stop signal (p.Gln3522*) in the DYNC1H1 gene. It is expected to result in an absent or disrupted protein product. However, the current clinical and genetic evidence is not sufficient to establish whether loss-of-function variants in DYNC1H1 cause disease. This variant is not present in population databases (ExAC no frequency). This variant has not been reported in the literature in individuals with DYNC1H1-related conditions. In summary, the available evidence is currently insufficient to determine the role of this variant in disease. Therefore, it has been classified as a Variant of Uncertain Significance.